The following is an entry in ClinVar:

ClinVar aggregate classification (germline): Pathogenic (1 of 4 stars; one submission).

Conditions:
Lynch syndrome 4 (LYNCH4). Also called: Hereditary non-polyposis colorectal cancer, type 4; Colorectal cancer, hereditary nonpolyposis, type 4. Identifiers: Orphanet 144, MedGen C1838333, MONDO:0013699, OMIM 614337. Disease mechanism: loss of function.

Submission:

Myriad Genetics, Inc.
Classification: Pathogenic for Lynch syndrome 4. Last evaluated: 2023-09-25. Review status: criteria provided, single submitter. Criteria: Myriad Autosomal Dominant, Autosomal Recessive and X-Linked Classification Criteria (2023). Collection method: clinical testing. Allele origin: unknown.
Comment: This variant is considered pathogenic. This variant creates a termination codon and is predicted to result in premature protein truncation.

NM_000535.7(PMS2):c.2529_2537del (p.Cys843_Gly846delinsTer)

Gene: PMS2 (PMS1 homolog 2, mismatch repair system component; minus strand). Cytogenetic location: 7p22.1.
Variant type: Deletion.
Coding change: c.2529_2537del on transcript NM_000535.7 (MANE Select); coding-DNA positions 2529 to 2537, 9 bases deleted (TCCCCATGG; older notation c.2529_2537delTCCCCATGG).
Protein change: p.Cys843_Gly846delinsTer.
Molecular consequence: nonsense. On other transcripts: inframe indel (1), non-coding transcript variant (1).
Genome position (GRCh38, 1-based): chr7:5,973,451-5,973,459, CCATGGGGA deleted on the plus strand (TCCCCATGG on the coding strand, the reverse complement: PMS2 is on the minus strand); deleting any 9 consecutive bases within chr7:5,973,451-5,973,460 gives the same sequence; the c. name uses the placement nearest the transcript's 3' end. VCF-style (leftmost placement, unchanged base first): chr7-5973450-TCCATGGGGA-T. GRCh37 (hg19) VCF-style: chr7-6013081-TCCATGGGGA-T.
Other names: c.2123_2131delGTCCCCATG, p.Cys708_Asn727del (NM_001018040.1); c.2124_2132del, p.Cys708_Gly711delinsTer (NM_001322003.2, NM_001322004.2, NM_001322005.2 and 11 more transcripts); c.2373_2381del, p.Cys791_Gly794delinsTer (NM_001322006.2); c.2211_2219del, p.Cys737_Gly740delinsTer (NM_001322007.2, NM_001322008.2, NM_001406883.1); c.2157_2165del, p.Cys719_Gly722delinsTer (NM_001322009.2, NM_001406887.1, NM_001406888.1); c.1968_1976del, p.Cys656_Gly659delinsTer (NM_001322010.2, NM_001406906.1, NM_001406907.1); c.1596_1604del, p.Cys532_Gly535delinsTer (NM_001322011.2, NM_001322012.2); c.1956_1964del, p.Cys652_Gly655delinsTer (NM_001322013.2, NM_001406908.1, NM_001406909.1); and 21 more.
Identifiers: ClinVar variation 2674265 (VCV002674265.1), dbSNP rs2535183568, ClinGen allele CA2695198393.